The following is an entry in ClinVar:

ClinVar aggregate classification (germline): Conflicting classifications of pathogenicity. Review status: criteria provided, conflicting classifications (1 of 4 stars). 5 submissions from 5 submitters: Uncertain significance (2); Likely benign (2). 1 of the submissions does not count toward it. Last evaluated 2025-12-29.

Conditions:
Cone dystrophy with supernormal rod response (CDSRR). Also called: CONE DYSTROPHY WITH SUPERNORMAL ROD RESPONSES. Identifiers: Orphanet 209932, MedGen C1835897, MONDO:0012475, OMIM 610356.
KCNV2-related disorder. Also called: KCNV2-related condition.

Allele frequency attached by ClinVar (database versions not stated): gnomAD exomes 0.00007 and 0.00017; ExAC 0.00022; ESP Exome Variant Server 0.00038; gnomAD 0.00078 and 0.00083; TOPMed 0.00084; 1000 Genomes Project 0.00140; 1000 Genomes Project 30x 0.00172.

Submissions (5):

Labcorp Genetics (formerly Invitae), Labcorp
Classification: Likely benign. Last evaluated: 2025-12-29. Review status: criteria provided, single submitter. Criteria: Invitae Variant Classification Sherloc (09022015). Collection method: clinical testing. Allele origin: germline.

Revvity Omics, Revvity
Classification: Uncertain significance for Cone dystrophy with supernormal rod response. Last evaluated: 2025-02-10. Review status: criteria provided, single submitter. Criteria: ACMG Guidelines, 2015. Collection method: clinical testing. Allele origin: germline.

Blueprint Genetics
Classification: Likely benign. Last evaluated: 2024-06-18. Review status: criteria provided, single submitter. Criteria: ACMG Guidelines, 2015. Collection method: clinical testing. Allele origin: germline.

Illumina Laboratory Services, Illumina
Classification: Uncertain significance for Cone dystrophy with supernormal rod response. Last evaluated: 2018-01-13. Review status: criteria provided, single submitter. Criteria: ICSL Variant Classification Criteria 13 December 2019. Collection method: clinical testing. Allele origin: germline.

PreventionGenetics, part of Exact Sciences
Classification: Likely benign for KCNV2-related condition. Last evaluated: 2024-08-13. Review status: no assertion criteria provided. Collection method: clinical testing. Allele origin: germline. Not counted in ClinVar's aggregate classification.
Comment: This variant is classified as likely benign based on ACMG/AMP sequence variant interpretation guidelines (Richards et al. 2015 PMID: 25741868, with internal and published modifications).

NM_133497.4(KCNV2):c.121G>A (p.Ala41Thr)

Gene: KCNV2 (potassium voltage-gated channel modifier subfamily V member 2; plus strand). Cytogenetic location: 9p24.2.
Variant type: single nucleotide variant.
Coding change: c.121G>A on transcript NM_133497.4 (MANE Select); coding-DNA position 121, G replaced by A.
Protein change: p.Ala41Thr; replaces alanine 41 with threonine.
Molecular consequence: missense variant.
Genome position (GRCh38, 1-based): chr9:2,717,860, G>A. VCF-style: chr9-2717860-G-A. GRCh37 (hg19) VCF-style: chr9-2717860-G-A.
Other names: short protein forms A41T.
Identifiers: ClinVar variation 366409 (VCV000366409.16), dbSNP rs148031263, ClinGen allele CA4965321.